The following is an entry in ClinVar:

NM_001290043.2(TAP2):c.1135G>T (p.Val379Leu)

Gene: TAP2 (transporter 2, ATP binding cassette subfamily B member; minus strand). Cytogenetic location: 6p21.32.
Variant type: single nucleotide variant.
Coding change: c.1135G>T on transcript NM_001290043.2 (MANE Select); coding-DNA position 1135, G replaced by T.
Protein change: p.Val379Leu; replaces valine 379 with leucine.
Molecular consequence: missense variant.
Genome position (GRCh38, 1-based): chr6:32,832,635, C>A on the plus strand (G>T on the coding strand, the complement: TAP2 is on the minus strand). VCF-style: chr6-32832635-C-A. GRCh37 (hg19) VCF-style: chr6-32800412-C-A.
Other names: c.1135G>T, p.Val379Leu (NM_000544.3, NM_018833.3); short protein forms V379L.
Identifiers: ClinVar variation 1959006 (VCV001959006.6), dbSNP rs1800454, ClinGen allele CA363583098.

ClinVar aggregate classification (germline): Uncertain significance (1 of 4 stars; one submission).

Conditions:
MHC class I deficiency. Identifiers: Orphanet 34592, MedGen C6024714, MONDO:0011476.

Submissions (3):

Labcorp Genetics (formerly Invitae), Labcorp
Classification: Uncertain significance for MHC class I deficiency 1. Last evaluated: 2022-06-26. Review status: criteria provided, single submitter. Criteria: Invitae Variant Classification Sherloc (09022015). Collection method: clinical testing. Allele origin: germline.
Comment: In summary, the available evidence is currently insufficient to determine the role of this variant in disease. Therefore, it has been classified as a Variant of Uncertain Significance. Algorithms developed to predict the effect of sequence changes on RNA splicing suggest that this variant may disrupt the consensus splice site. Algorithms developed to predict the effect of missense changes on protein structure and function output the following: SIFT: "Tolerated"; PolyPhen-2: "Not Available"; Align-GVGD: "Class C0". The leucine amino acid residue is found in multiple mammalian species, which suggests that this missense change does not adversely affect protein function. This variant has not been reported in the literature in individuals affected with TAP2-related conditions. This variant is not present in population databases (gnomAD no frequency). This sequence change replaces valine, which is neutral and non-polar, with leucine, which is neutral and non-polar, at codon 379 of the TAP2 protein (p.Val379Leu).

Dr. Peter K. Rogan Lab, Western University
No classification provided (evidence only). Condition: Thyroid cancer, nonmedullary, 1. Review status: no classification provided. Collection method: in vitro. Allele origin: not applicable. Functional consequence: retained intron. Not counted in ClinVar's aggregate classification.

Dr. Peter K. Rogan Lab, Western University
No classification provided (evidence only). Condition: Ovarian serous cystadenocarcinoma. Review status: no classification provided. Collection method: in vitro. Allele origin: not applicable. Functional consequence: retained intron. Not counted in ClinVar's aggregate classification.